The following is an entry in ClinVar:

NM_001394062.1(MACF1):c.22160G>C (p.Ser7387Thr)

Gene: MACF1 (microtubule actin crosslinking factor 1; plus strand). Cytogenetic location: 1p34.3.
Variant type: single nucleotide variant.
Coding change: c.22160G>C on transcript NM_001394062.1 (MANE Select); coding-DNA position 22160, G replaced by C.
Protein change: p.Ser7387Thr; replaces serine 7387 with threonine.
Molecular consequence: missense variant.
Genome position (GRCh38, 1-based): chr1:39,479,999, G>C. VCF-style: chr1-39479999-G-C. GRCh37 (hg19) VCF-style: chr1-39945671-G-C.
Other names: c.10151G>C, p.Ser3384Thr (NM_001397473.1); c.15896G>C, p.Ser5299Thr (NM_012090.5); short protein forms S5299T, S3384T, S7387T.
Identifiers: ClinVar variation 2316383 (VCV002316383.4), dbSNP rs759316958, ClinGen allele CA784825.

ClinVar aggregate classification (germline): Conflicting classifications of pathogenicity. Review status: criteria provided, conflicting classifications (1 of 4 stars). 2 submissions from 2 submitters: Uncertain significance (1); Likely benign (1). Last evaluated 2025-03-05.

Conditions:
Inborn genetic diseases. Identifiers: MedGen C0950123, MeSH D030342.

Allele frequency attached by ClinVar (database versions not stated): TOPMed 0.00003; gnomAD 0.00001; gnomAD exomes 0.00002; ExAC 0.00002.
gnomAD v4.1: 12 of 1,575,948 alleles (0.00076%); highest among the groups gnomAD compares: Admixed American, 0.021%; no homozygotes.

Submissions (2):

Labcorp Genetics (formerly Invitae), Labcorp
Classification: Uncertain significance. Last evaluated: 2025-03-05. Review status: criteria provided, single submitter. Criteria: Invitae Variant Classification Sherloc (09022015). Collection method: clinical testing. Allele origin: germline.
Comment: This sequence change replaces serine, which is neutral and polar, with threonine, which is neutral and polar, at codon 5299 of the MACF1 protein (p.Ser5299Thr). This variant is present in population databases (rs759316958, gnomAD 0.03%). This variant has not been reported in the literature in individuals affected with MACF1-related conditions. ClinVar contains an entry for this variant (Variation ID: 2316383). An algorithm developed to predict the effect of missense changes on protein structure and function (PolyPhen-2) suggests that this variant is likely to be tolerated. In summary, the available evidence is currently insufficient to determine the role of this variant in disease. Therefore, it has been classified as a Variant of Uncertain Significance.

Ambry Genetics
Classification: Likely benign for Inborn genetic diseases. Last evaluated: 2022-01-26. Review status: criteria provided, single submitter. Criteria: Ambry Variant Classification Scheme 2023. Collection method: clinical testing. Allele origin: germline.